The following is an entry in ClinVar:

NM_002049.4(GATA1):c.182_183insGTGC (p.Tyr62fs)

Gene: GATA1 (GATA binding protein 1; plus strand). Cytogenetic location: Xp11.23.
Variant type: Insertion.
Coding change: c.182_183insGTGC on transcript NM_002049.4 (MANE Select); coding-DNA positions 182 to 183, GTGC inserted.
Protein change: p.Tyr62fs; shifts the reading frame from tyrosine 62.
Molecular consequence: frameshift variant.
Genome position: GRCh38 VCF-style: chrX-48791289-G-GGCGT. GRCh37 (hg19) VCF-style: chrX-48649696-G-GGCGT.
Other names: short protein forms Y62fs.
Identifiers: ClinVar variation 2950118 (VCV002950118.3), dbSNP rs2519343836, ClinGen allele CA2740092145.

ClinVar aggregate classification (germline): Pathogenic (1 of 4 stars; one submission).

Conditions:
Diamond-Blackfan anemia. Also called: Blackfan Diamond syndrome; Aregenerative anemia chronic congenital; Red cell aplasia, pure hereditary; Congenital hypoplastic anemia; Aase syndrome. Identifiers: Orphanet 124, MedGen C1260899, MeSH D029503, MONDO:0015253, HP:0004810.
GATA binding protein 1 related thrombocytopenia with dyserythropoiesis. Also called: GATA1-Related Cytopenia; GATA1-Related X-Linked Cytopenia. Identifiers: MedGen C1845837, MONDO:0100089.

Submission:

Labcorp Genetics (formerly Invitae), Labcorp
Classification: Pathogenic for GATA binding protein 1 related thrombocytopenia with dyserythropoiesis; Diamond-Blackfan anemia. Last evaluated: 2023-07-19. Review status: criteria provided, single submitter. Criteria: Invitae Variant Classification Sherloc (09022015). Collection method: clinical testing. Allele origin: germline.
Comment: This sequence change creates a premature translational stop signal (p.Tyr62Cysfs*7) in the GATA1 gene. It is expected to result in an absent or disrupted protein product. Loss-of-function variants in GATA1 are known to be pathogenic (PMID: 16783379, 22706301, 23704091, 24453067). This variant is not present in population databases (gnomAD no frequency). This variant has not been reported in the literature in individuals affected with GATA1-related conditions. For these reasons, this variant has been classified as Pathogenic.

Literature cited by the submitters: PubMed 16783379; PubMed 22706301; PubMed 23704091; PubMed 24453067.